The following is an entry in ClinVar:

ClinVar aggregate classification (germline): Uncertain significance (1 of 4 stars; one submission).

Conditions:
Familial acute necrotizing encephalopathy (IIAE3). Also called: ENCEPHALOPATHY, ACUTE, INFECTION-INDUCED, SUSCEPTIBILITY TO, 3; Susceptibility to Acute Necrotizing Encephalopathy 1. Identifiers: Orphanet 88619, MedGen C2675556, MONDO:0011953, OMIM 608033.

Submission:

Labcorp Genetics (formerly Invitae), Labcorp
Classification: Uncertain significance for Familial acute necrotizing encephalopathy. Last evaluated: 2022-07-11. Review status: criteria provided, single submitter. Criteria: Invitae Variant Classification Sherloc (09022015). Collection method: clinical testing. Allele origin: germline.
Comment: ClinVar contains an entry for this variant (Variation ID: 1009974). In summary, the available evidence is currently insufficient to determine the role of this variant in disease. Therefore, it has been classified as a Variant of Uncertain Significance. Algorithms developed to predict the effect of missense changes on protein structure and function are either unavailable or do not agree on the potential impact of this missense change (SIFT: "Deleterious"; PolyPhen-2: "Benign"; Align-GVGD: "Class C0"). This variant has not been reported in the literature in individuals affected with RANBP2-related conditions. This variant is not present in population databases (gnomAD no frequency). This sequence change replaces serine, which is neutral and polar, with proline, which is neutral and non-polar, at codon 18 of the RANBP2 protein (p.Ser18Pro).

NM_006267.5(RANBP2):c.52T>C (p.Ser18Pro)

Gene: RANBP2 (RAN binding protein 2; plus strand). Cytogenetic location: 2q13.
Variant type: single nucleotide variant.
Coding change: c.52T>C on transcript NM_006267.5 (MANE Select); coding-DNA position 52, T replaced by C.
Protein change: p.Ser18Pro; replaces serine 18 with proline.
Molecular consequence: missense variant.
Genome position (GRCh38, 1-based): chr2:108,719,658, T>C. VCF-style: chr2-108719658-T-C. GRCh37 (hg19) VCF-style: chr2-109336114-T-C.
Other names: short protein forms S18P.
Identifiers: ClinVar variation 1009974 (VCV001009974.5), dbSNP rs1694049253, ClinGen allele CA348033319.